The following is an entry in ClinVar:

NM_001458.5(FLNC):c.7802A>C (p.His2601Pro)

Genes: FLNC (filamin C; plus strand), FLNC-AS1 (FLNC antisense RNA 1; minus strand). Cytogenetic location: 7q32.1.
Variant type: single nucleotide variant.
Coding change: c.7802A>C on transcript NM_001458.5 (MANE Select); coding-DNA position 7802, A replaced by C.
Protein change: p.His2601Pro; replaces histidine 2601 with proline.
Molecular consequence: missense variant.
Genome position (GRCh38, 1-based): chr7:128,858,029, A>C. VCF-style: chr7-128858029-A-C. GRCh37 (hg19) VCF-style: chr7-128498083-A-C.
Other names: c.7703A>C, p.His2568Pro (NM_001127487.2); short protein forms H2601P, H2568P.
Identifiers: ClinVar variation 4993537 (VCV004993537.1).

ClinVar aggregate classification (germline): Uncertain significance (1 of 4 stars; one submission).

Conditions:
FLNC-related disorder. Also called: FLNC-related condition; FLNC-related disorders.

Submission:

PreventionGenetics, part of Exact Sciences
Classification: Uncertain significance for FLNC-related condition. Last evaluated: 2026-07-14. Review status: criteria provided, single submitter. Criteria: ACMG Guidelines, 2015. Collection method: clinical testing. Allele origin: germline.
Comment: The FLNC c.7802A>C variant is predicted to result in the amino acid substitution p.His2601Pro. To our knowledge, this variant has not been reported in the literature or in a large population database (gnomAD), indicating this variant is rare. At this time, the clinical significance of this variant is uncertain due to the absence of conclusive functional and genetic evidence.